The following is an entry in ClinVar:

ClinVar aggregate classification (germline): Uncertain significance (1 of 4 stars; one submission).

Allele frequency attached by ClinVar (database versions not stated): gnomAD exomes below 0.00001; gnomAD 0.00001.
gnomAD v4.1: 10 of 1,588,662 alleles (0.00063%); highest among the groups gnomAD compares: East Asian, 0.0023%; no homozygotes.

Submission:

Labcorp Genetics (formerly Invitae), Labcorp
Classification: Uncertain significance. Last evaluated: 2021-06-01. Review status: criteria provided, single submitter. Criteria: Invitae Variant Classification Sherloc (09022015). Collection method: clinical testing. Allele origin: germline.
Comment: This variant has not been reported in the literature in individuals with SPEG-related conditions. In summary, the available evidence is currently insufficient to determine the role of this variant in disease. Therefore, it has been classified as a Variant of Uncertain Significance. Algorithms developed to predict the effect of missense changes on protein structure and function are either unavailable or do not agree on the potential impact of this missense change (SIFT: "Deleterious"; PolyPhen-2: "Probably Damaging"; Align-GVGD: "Class C0"). This variant is not present in population databases (ExAC no frequency). This sequence change replaces proline with leucine at codon 2700 of the SPEG protein (p.Pro2700Leu). The proline residue is highly conserved and there is a moderate physicochemical difference between proline and leucine.

NM_005876.5(SPEG):c.8099C>T (p.Pro2700Leu)

Genes: ASIC4-AS1 (ASIC4 antisense RNA 1; minus strand), SPEG (striated muscle enriched protein kinase; plus strand). Cytogenetic location: 2q35.
Variant type: single nucleotide variant.
Coding change: c.8099C>T on transcript NM_005876.5 (MANE Select); coding-DNA position 8099, C replaced by T.
Protein change: p.Pro2700Leu; replaces proline 2700 with leucine.
Molecular consequence: missense variant.
Genome position (GRCh38, 1-based): chr2:219,488,850, C>T. VCF-style: chr2-219488850-C-T. GRCh37 (hg19) VCF-style: chr2-220353572-C-T.
Other names: short protein forms P2700L.
Identifiers: ClinVar variation 1350258 (VCV001350258.8), dbSNP rs933038018, ClinGen allele CA65996545.